The following is an entry in ClinVar:

ClinVar aggregate classification (germline): Likely benign. Review status: criteria provided, single submitter (1 of 4 stars). 2 submissions from 2 submitters: Likely benign (1). 1 of the submissions does not count toward it. Last evaluated 2026-01-25.

Conditions:
ATP8B1-related disorder. Also called: ATP8B1-related disorders; ATP8B1-related condition.

Allele frequency attached by ClinVar (database versions not stated): ExAC 0.00006; gnomAD 0.00013; TOPMed 0.00013; ESP Exome Variant Server 0.00023.
gnomAD v4.1: 31 of 1,613,840 alleles (0.0019%); highest among the groups gnomAD compares: African/African-American, 0.035%; no homozygotes.

Submissions (2):

Labcorp Genetics (formerly Invitae), Labcorp
Classification: Likely benign. Last evaluated: 2026-01-25. Review status: criteria provided, single submitter. Criteria: Invitae Variant Classification Sherloc (09022015). Collection method: clinical testing. Allele origin: germline.

PreventionGenetics, part of Exact Sciences
Classification: Likely benign for ATP8B1-related condition. Last evaluated: 2023-12-26. Review status: no assertion criteria provided. Collection method: clinical testing. Allele origin: germline. Not counted in ClinVar's aggregate classification.
Comment: This variant is classified as likely benign based on ACMG/AMP sequence variant interpretation guidelines (Richards et al. 2015 PMID: 25741868, with internal and published modifications).

NM_001374385.1(ATP8B1):c.2574C>T (p.Cys858=)

Genes: ATP8B1 (ATPase phospholipid transporting 8B1; minus strand), ATP8B1-AS1 (ATP8B1 antisense RNA 1; plus strand). Cytogenetic location: 18q21.31.
Variant type: single nucleotide variant.
Coding change: c.2574C>T on transcript NM_001374385.1 (MANE Select); coding-DNA position 2574, C replaced by T.
Protein change: p.Cys858=; no amino-acid change (cysteine 858 retained).
Molecular consequence: synonymous variant.
Genome position (GRCh38, 1-based): chr18:57,661,307, G>A on the plus strand (C>T on the coding strand, the complement: ATP8B1 is on the minus strand). VCF-style: chr18-57661307-G-A. GRCh37 (hg19) VCF-style: chr18-55328539-G-A.
Other names: c.2574C>T (NM_005603.4); c.2424C>T, p.Cys808= (NM_001374386.1); c.2574C>T, p.Cys858= (NM_005603.6).
Identifiers: ClinVar variation 2992070 (VCV002992070.5), dbSNP rs147024196, ClinGen allele CA8974224.